The following is an entry in ClinVar:

ClinVar aggregate classification (germline): Conflicting classifications of pathogenicity. Review status: criteria provided, conflicting classifications (1 of 4 stars). 7 submissions from 7 submitters: Uncertain significance (5); Benign (2). Last evaluated 2026-07-13.

Conditions:
TSC1-related disorder. Also called: TSC1-related condition.
Lymphangiomyomatosis (LAM). Also called: Lymphangioleiomyomatosis, somatic; Lymphangioleiomyomatosis. Identifiers: Orphanet 538, MedGen C0751674, MONDO:0011705, OMIM 606690.
Tuberous sclerosis 1 (TSC1). Identifiers: Orphanet 805, MedGen C1854465, MONDO:0008612, OMIM 191100.
Isolated focal cortical dysplasia type II (FCORD2). Also called: CORTICAL DYSPLASIA OF TAYLOR; Focal cortical dysplasia type II. Identifiers: Orphanet 268994, MedGen C1846385, MONDO:0011818, OMIM 607341, HP:0032051.
Tuberous sclerosis syndrome (TSC). Also called: Tuberous Sclerosis Complex; Tuberous sclerosis. Identifiers: Orphanet 805, MedGen C0041341, MONDO:0001734.
Hereditary cancer-predisposing syndrome. Also called: Neoplastic Syndromes, Hereditary; Hereditary neoplastic syndrome; Hereditary Cancer Syndrome; Tumor predisposition. Identifiers: Orphanet 140162, MedGen C0027672, MeSH D009386, MONDO:0015356.

Allele frequency attached by ClinVar (database versions not stated): gnomAD exomes below 0.00001; TOPMed 0.00001; gnomAD 0.00003.
gnomAD v4.1: 7 of 1,614,076 alleles (0.00043%); highest among the groups gnomAD compares: African/African-American, 0.004%; no homozygotes.

Submissions (7):

Ambry Genetics
Classification: Benign for Hereditary cancer-predisposing syndrome. Last evaluated: 2026-07-13. Review status: criteria provided, single submitter. Criteria: Ambry Variant Classification Scheme 2023. Collection method: clinical testing. Allele origin: germline.

Labcorp Genetics (formerly Invitae), Labcorp
Classification: Benign for Tuberous sclerosis 1. Last evaluated: 2025-12-10. Review status: criteria provided, single submitter. Criteria: Invitae Variant Classification Sherloc (09022015). Collection method: clinical testing. Allele origin: germline.

PreventionGenetics, part of Exact Sciences
Classification: Uncertain significance for TSC1-related condition. Last evaluated: 2024-12-18. Review status: criteria provided, single submitter. Criteria: ACMG Guidelines, 2015. Collection method: clinical testing. Allele origin: germline.
Comment: The TSC1 c.2930A>G variant is predicted to result in the amino acid substitution p.Lys977Arg. To our knowledge, this variant has not been reported in the literature. This variant is reported in 0.00088% of alleles in individuals of European (Non-Finnish) descent in gnomAD. Although we suspect that this variant may be benign, at this time, the clinical significance of this variant is uncertain due to the absence of conclusive functional and genetic evidence.

All of Us Research Program, National Institutes of Health
Classification: Uncertain significance for Tuberous sclerosis syndrome. Last evaluated: 2024-08-06. Review status: criteria provided, single submitter. Criteria: ACMG Guidelines, 2015. Collection method: clinical testing. Allele origin: germline. Inheritance: Autosomal dominant inheritance. Observed: 3 variant alleles, 3 heterozygotes.
Comment: This missense variant replaces lysine with arginine at codon 977 of the TSC1 protein. Computational prediction suggests that this variant may not impact protein structure and function (internally defined REVEL score threshold <= 0.5, PMID: 27666373). To our knowledge, functional studies have not been reported for this variant. This variant has not been reported in individuals affected with tuberous sclerosis complex in the literature. This variant has been identified in 1/251476 chromosomes in the general population by the Genome Aggregation Database (gnomAD). The available evidence is insufficient to determine the role of this variant in disease conclusively. Therefore, this variant is classified as a Variant of Uncertain Significance.

This study involves interpretation of variants in research participants for the purpose of population health screening. Participant phenotype was not available at the time of variant classification. Additional details can be found in publication PMID: 35346344, PMCID: PMC8962531

Fulgent Genetics
Classification: Uncertain significance for Tuberous sclerosis 1; Lymphangiomyomatosis; Isolated focal cortical dysplasia type II. Last evaluated: 2024-05-03. Review status: criteria provided, single submitter. Criteria: ACMG Guidelines, 2015. Collection method: clinical testing. Allele origin: germline.

Color Diagnostics, LLC DBA Color Health
Classification: Uncertain significance for Tuberous sclerosis syndrome. Last evaluated: 2024-03-07. Review status: criteria provided, single submitter. Criteria: ACMG Guidelines, 2015. Collection method: clinical testing. Allele origin: germline.
Comment: This missense variant replaces lysine with arginine at codon 977 of the TSC1 protein. Computational prediction suggests that this variant may not impact protein structure and function. To our knowledge, functional studies have not been reported for this variant. This variant has not been reported in individuals affected with tuberous sclerosis complex in the literature. This variant has been identified in 1/251476 chromosomes in the general population by the Genome Aggregation Database (gnomAD). The available evidence is insufficient to determine the role of this variant in disease conclusively. Therefore, this variant is classified as a Variant of Uncertain Significance.

GeneDx
Classification: Uncertain significance. Last evaluated: 2023-03-21. Review status: criteria provided, single submitter. Criteria: GeneDx Variant Classification Process June 2021. Collection method: clinical testing. Allele origin: germline. Affected: yes.
Comment: In silico analysis supports that this missense variant does not alter protein structure/function; Has not been previously published as pathogenic or benign to our knowledge; This variant is associated with the following publications: (PMID: 18466115)

NM_000368.5(TSC1):c.2930A>G (p.Lys977Arg)

Gene: TSC1 (TSC complex subunit 1; minus strand). Cytogenetic location: 9q34.13.
Variant type: single nucleotide variant.
Coding change: c.2930A>G on transcript NM_000368.5 (MANE Select); coding-DNA position 2930, A replaced by G.
Protein change: p.Lys977Arg; replaces lysine 977 with arginine.
Molecular consequence: missense variant.
Genome position (GRCh38, 1-based): chr9:132,897,229, T>C on the plus strand (A>G on the coding strand, the complement: TSC1 is on the minus strand). VCF-style: chr9-132897229-T-C. GRCh37 (hg19) VCF-style: chr9-135772616-T-C.
Other names: c.2927A>G, p.Lys976Arg (NM_001162426.2); c.2777A>G, p.Lys926Arg (NM_001162427.2); c.2567A>G, p.Lys856Arg (NM_001362177.2); short protein forms K977R, K926R, K856R, K976R.
Identifiers: ClinVar variation 466105 (VCV000466105.21), dbSNP rs1433723046, ClinGen allele CA375368448.